The following is an entry in ClinVar:

NM_000443.4(ABCB4):c.2287A>T (p.Ile763Phe)

Gene: ABCB4 (ATP binding cassette subfamily B member 4; minus strand). Cytogenetic location: 7q21.12.
Variant type: single nucleotide variant.
Coding change: c.2287A>T on transcript NM_000443.4 (MANE Select); coding-DNA position 2287, A replaced by T.
Protein change: p.Ile763Phe; replaces isoleucine 763 with phenylalanine.
Molecular consequence: missense variant.
Genome position (GRCh38, 1-based): chr7:87,422,150, T>A on the plus strand (A>T on the coding strand, the complement: ABCB4 is on the minus strand). VCF-style: chr7-87422150-T-A. GRCh37 (hg19) VCF-style: chr7-87051466-T-A.
Other names: c.2287A>T, p.Ile763Phe (NM_018849.3, NM_018850.3); short protein forms I763F.
Identifiers: ClinVar variation 2271397 (VCV002271397.5), dbSNP rs757015492, ClinGen allele CA4327071.

ClinVar aggregate classification (germline): Uncertain significance. Review status: criteria provided, multiple submitters, no conflicts (2 of 4 stars). 3 submissions from 3 submitters: Uncertain significance (3). Last evaluated 2025-11-20.

Conditions:
Inborn genetic diseases. Identifiers: MedGen C0950123, MeSH D030342.
Cholestasis, intrahepatic, of pregnancy, 3. Identifiers: Orphanet 69665, MedGen C3554241, MONDO:0013995, OMIM 614972.
ABCB4-related disorder. Also called: ABCB4-related disorders; ABCB4-related condition.

Allele frequency attached by ClinVar (database versions not stated): TOPMed below 0.00001; ExAC 0.00001; gnomAD 0.00001.
gnomAD v4.1: 11 of 1,612,648 alleles (0.00068%); highest among the groups gnomAD compares: Middle Eastern, 0.016%; no homozygotes.

Submissions (3):

Ambry Genetics
Classification: Uncertain significance for Inborn genetic diseases. Last evaluated: 2025-11-20. Review status: criteria provided, single submitter. Criteria: Ambry Variant Classification Scheme 2023. Collection method: clinical testing. Allele origin: germline.

PreventionGenetics, part of Exact Sciences
Classification: Uncertain significance for ABCB4-related condition. Last evaluated: 2025-05-21. Review status: criteria provided, single submitter. Criteria: ACMG Guidelines, 2015. Collection method: clinical testing. Allele origin: germline.
Comment: The ABCB4 c.2287A>T variant is predicted to result in the amino acid substitution p.Ile763Phe. To our knowledge, this variant has not been reported in the literature. This variant is reported in 0.0018% of alleles in individuals of European (Non-Finnish) descent in gnomAD. At this time, the clinical significance of this variant is uncertain due to the absence of conclusive functional and genetic evidence.

Genomic Medicine Center of Excellence, King Faisal Specialist Hospital and Research Centre
Classification: Uncertain significance for Cholestasis, intrahepatic, of pregnancy, 3. Last evaluated: 2024-03-29. Review status: criteria provided, single submitter. Criteria: ACMG Guidelines, 2015. Collection method: clinical testing. Allele origin: germline.